The following is an entry in ClinVar:

ClinVar aggregate classification (germline): Uncertain significance (1 of 4 stars; one submission).

Submission:

Labcorp Genetics (formerly Invitae), Labcorp
Classification: Uncertain significance. Last evaluated: 2022-11-20. Review status: criteria provided, single submitter. Criteria: Invitae Variant Classification Sherloc (09022015). Collection method: clinical testing. Allele origin: germline.
Comment: Advanced modeling of protein sequence and biophysical properties (such as structural, functional, and spatial information, amino acid conservation, physicochemical variation, residue mobility, and thermodynamic stability) performed at Invitae indicates that this missense variant is expected to disrupt PNLIP protein function. This variant has not been reported in the literature in individuals affected with PNLIP-related conditions. This variant is not present in population databases (gnomAD no frequency). This sequence change replaces aspartic acid, which is acidic and polar, with glycine, which is neutral and non-polar, at codon 217 of the PNLIP protein (p.Asp217Gly). In summary, the available evidence is currently insufficient to determine the role of this variant in disease. Therefore, it has been classified as a Variant of Uncertain Significance.

NM_000936.4(PNLIP):c.650A>G (p.Asp217Gly)

Gene: PNLIP (pancreatic lipase; plus strand). Cytogenetic location: 10q25.3.
Variant type: single nucleotide variant.
Coding change: c.650A>G on transcript NM_000936.4 (MANE Select); coding-DNA position 650, A replaced by G.
Protein change: p.Asp217Gly; replaces aspartic acid 217 with glycine.
Molecular consequence: missense variant.
Genome position (GRCh38, 1-based): chr10:116,555,256, A>G. VCF-style: chr10-116555256-A-G. GRCh37 (hg19) VCF-style: chr10-118314768-A-G.
Other names: short protein forms D217G.
Identifiers: ClinVar variation 2880690 (VCV002880690.3), dbSNP rs2493054961, ClinGen allele CA378495366.
Genomic context (GRCh38, chr10:116,555,256, plus strand): 5'-CTTGCTTTCAGGGCACACCTGAATTAGTCCGATTGGACCCCAGCGATGCCAAATTTGTGG[A>G]TGTAATTCACACGGATGGTGCCCCCATAGTCCCCAATTTGGGTGAGTTCCTCAACCCGTC-3'
Protein context (NP_000927.1, residues 207-227): RLDPSDAKFV[Asp217Gly]VIHTDGAPIV